The following is an entry in ClinVar:

ClinVar aggregate classification (germline): Uncertain significance (1 of 4 stars; one submission).

Submission:

Ambry Genetics
Classification: Uncertain significance. Last evaluated: 2025-02-18. Review status: criteria provided, single submitter. Criteria: Ambry Variant Classification Scheme 2023. Collection method: clinical testing. Allele origin: germline.
Comment: The p.V57M variant (also known as c.169G>A), located in coding exon 1 of the EGLN1 gene, results from a G to A substitution at nucleotide position 169. The valine at codon 57 is replaced by methionine, an amino acid with highly similar properties. This amino acid position is conserved. In addition, this alteration is predicted to be tolerated by in silico analysis. Based on the available evidence, the clinical significance of this variant remains unclear.

NM_022051.3(EGLN1):c.169G>A (p.Val57Met)

Gene: EGLN1 (egl-9 family hypoxia inducible factor 1; minus strand). Cytogenetic location: 1q42.2.
Variant type: single nucleotide variant.
Coding change: c.169G>A on transcript NM_022051.3 (MANE Select); coding-DNA position 169, G replaced by A.
Protein change: p.Val57Met; replaces valine 57 with methionine.
Molecular consequence: missense variant.
Genome position (GRCh38, 1-based): chr1:231,421,720, C>T on the plus strand (G>A on the coding strand, the complement: EGLN1 is on the minus strand). VCF-style: chr1-231421720-C-T. GRCh37 (hg19) VCF-style: chr1-231557466-C-T.
Other names: c.169G>A, p.Val57Met (NM_001377260.1, NM_001377261.1); short protein forms V57M.
Identifiers: ClinVar variation 3843864 (VCV003843864.1).
Genomic context (GRCh38, chr1:231,421,720, plus strand): 5'-GGCCGGAATGCTGGTGTGGGCCCACTCCGTGGCCGAGGGCGCCCTCGCTGCCCTGGCACA[C>T]GAGCTTGTGCTTCTTCCAGTCCTGACGCTGGTGCTCCTTGCAGCAGTAGAAGGAGCTGCG-3'
Protein context (NP_071334.1, residues 47-67): QRQDWKKHKL[Val57Met]CQGSEGALGH